The following is an entry in ClinVar:

NM_004565.3(PEX14):c.678-10C>T

Gene: PEX14 (peroxisomal biogenesis factor 14; plus strand). Cytogenetic location: 1p36.22.
Variant type: single nucleotide variant.
Coding change: c.678-10C>T on transcript NM_004565.3 (MANE Select); 10 bases into the intron before coding-DNA position 678, C replaced by T.
Molecular consequence: intron variant.
Genome position (GRCh38, 1-based): chr1:10,629,521, C>T. VCF-style: chr1-10629521-C-T. GRCh37 (hg19) VCF-style: chr1-10689578-C-T.
Other names: c.678-10C>T (NM_004565.2).
Identifiers: ClinVar variation 1667282 (VCV001667282.9), dbSNP rs754096559, ClinGen allele CA521147031.

ClinVar aggregate classification (germline): Likely benign. Review status: criteria provided, multiple submitters, no conflicts (2 of 4 stars). 2 submissions from 2 submitters: Likely benign (2). Last evaluated 2025-09-27.

Conditions:
PEX14-related disorder. Also called: PEX14-related condition.
Peroxisome biogenesis disorder, complementation group K (CGK). Identifiers: MedGen C1866257, MONDO:0800365.

gnomAD v4.1: 12 of 1,598,134 alleles (0.00075%); highest among the groups gnomAD compares: Non-Finnish European, 0.001%; no homozygotes.

Submissions (2):

PreventionGenetics, part of Exact Sciences
Classification: Likely benign for PEX14-related condition. Last evaluated: 2025-09-27. Review status: criteria provided, single submitter. Criteria: ACMG Guidelines, 2015. Collection method: clinical testing. Allele origin: germline.
Comment: This variant is classified as likely benign based on ACMG/AMP sequence variant interpretation guidelines (Richards et al. 2015 PMID: 25741868, with internal and published modifications).

Labcorp Genetics (formerly Invitae), Labcorp
Classification: Likely benign for Peroxisome biogenesis disorder, complementation group K. Last evaluated: 2024-02-24. Review status: criteria provided, single submitter. Criteria: Invitae Variant Classification Sherloc (09022015). Collection method: clinical testing. Allele origin: germline.